The following is an entry in ClinVar:

NC_000023.10:g.(?_99596881)_(99663595_?)dup

Gene: PCDH19 (protocadherin 19; minus strand). Cytogenetic location: Xq22.1.
Variant type: Duplication.
Identifiers: ClinVar variation 3244926 (VCV003244926.1).

ClinVar aggregate classification (germline): Uncertain significance (1 of 4 stars; one submission).

Conditions:
Developmental and epileptic encephalopathy, 9 (DEE9). Also called: Early infantile epileptic encephalopathy 9; JUBERG-HELLMAN SYNDROME; EPILEPSY, FEMALE-RESTRICTED, WITH MENTAL RETARDATION; PCDH19-Related X-Linked Female-Limited Epilepsy with Mental Retardation. Identifiers: Orphanet 101039, Orphanet 2076, MedGen C1848137, MONDO:0010246, OMIM 300088. Disease mechanism: loss of function.

Submission:

Labcorp Genetics (formerly Invitae), Labcorp
Classification: Uncertain significance for Developmental and epileptic encephalopathy, 9. Last evaluated: 2023-02-14. Review status: criteria provided, single submitter. Criteria: Invitae Variant Classification Sherloc (09022015). Collection method: clinical testing. Allele origin: unknown.
Comment: This variant results in a copy number gain of the genomic region encompassing exon(s) 1-5 of the PCDH19 gene. This region includes the initiator codon of the gene. This copy number gain extends beyond the assayed region for this gene and therefore may encompass additional genes. As the precise location of this event is unknown, it may be in tandem or it may be located elsewhere in the genome. This variant has not been reported in the literature in individuals affected with PCDH19-related conditions. In summary, the available evidence is currently insufficient to determine the role of this variant in disease. Therefore, it has been classified as a Variant of Uncertain Significance.